The following is an entry in ClinVar:

ClinVar aggregate classification (germline): Pathogenic (1 of 4 stars; one submission).

Submission:

Quest Diagnostics Nichols Institute San Juan Capistrano
Classification: Pathogenic. Last evaluated: 2023-01-28. Review status: criteria provided, single submitter. Criteria: ACMG/ClinGen CNV Guidelines, 2019. Collection method: clinical testing. Allele origin: unknown.
Comment: Duplications of the 13q terminal region are associated with a range of phenotypic outcomes (Brogna 2020, Douglas 2017, Habedank 1979, Krygier 2014, Phadke 2004, Ribacoba 2008, Rivas 1984, Tharapel 1984, Wei 2012). Therefore, based on current medical literature, this copy number variant (CNV) is classified as pathogenic. References: Brogna et al., Brain Sci. 2020 Dec 26;11(1):21. PMID: 33375380 Douglas et al., Am J Med Genet A. 2017 Jun;173(6):1673-1680. PMID: 28394407 Habedank et al., Hum Genet. 1979 Nov 1;52(1):91-9. PMID: 527979 Krygier et al., Clin Dysmorphol. 2014 Oct;23(4):155-7. PMID: 25144153 Phadke et al., Indian Pediatr. 2004 Jun;41(6):614-7. PMID: 15235171 Ribacoba et al., Int Arch Med. 2008 Apr 29;1(1):5. PMID: 18471271 Rivas et al., Hum Genet. 1984;67(1):86-93. PMID: 6745930 Tharapel et al., Indian J Pediatr. 1984 Jul-Aug;51(411):481-7. PMID: 6526455 Wei et al., Case Rep Genet. 2012;2012:821347. PMID: 23133763

GRCh37/hg19 13q21.2-34(chr13:61534068-115107733)x3

Genes: ABCC4 (ATP binding cassette subfamily C member 4 (PEL blood group); minus strand), ABHD13 (abhydrolase domain containing 13; plus strand), ACOD1 (aconitate decarboxylase 1; plus strand), ADPRHL1 (ADP-ribosylhydrolase like 1; minus strand), ANKRD10 (ankyrin repeat domain 10; minus strand) and 126 more. Cytogenetic location: 13q21.2-34.
Variant type: copy number gain.
Change: copy number 3 (three copies instead of two) of chr13:61,534,068-115,107,733 (53.57 Mb, GRCh37 coordinates, 1-based), cytogenetic band 13q21.2-34.
Identifiers: ClinVar variation 2684703 (VCV002684703.1).